The following is an entry in ClinVar:

ClinVar aggregate classification (germline): Uncertain significance. Review status: criteria provided, multiple submitters, no conflicts (2 of 4 stars). 4 submissions from 4 submitters: Uncertain significance (4). Last evaluated 2026-03-10.

Conditions:
Nephronophthisis 15 (NPHP15). Identifiers: Orphanet 3156, MedGen C3541853, MONDO:0013917, OMIM 614845.
CEP164-related disorder. Also called: CEP164-related condition.
Inborn genetic diseases. Identifiers: MedGen C0950123, MeSH D030342.

gnomAD v4.1: 1 of 1,614,144 alleles (0.000062%); highest among the groups gnomAD compares: Admixed American, 0.0017%; no homozygotes.

Submissions (4):

PreventionGenetics, part of Exact Sciences
Classification: Uncertain significance for CEP164-related condition. Last evaluated: 2026-03-10. Review status: criteria provided, single submitter. Criteria: ACMG Guidelines, 2015. Collection method: clinical testing. Allele origin: germline.
Comment: The CEP164 c.1615G>C variant is predicted to result in the amino acid substitution p.Gly539Arg. To our knowledge, this variant has not been reported in the literature. This variant is reported in 0.0029% of alleles in individuals of Latino descent in gnomAD. At this time, the clinical significance of this variant is uncertain due to the absence of conclusive functional and genetic evidence.

Labcorp Genetics (formerly Invitae), Labcorp
Classification: Uncertain significance for Nephronophthisis 15. Last evaluated: 2026-01-26. Review status: criteria provided, single submitter. Criteria: Invitae Variant Classification Sherloc (09022015). Collection method: clinical testing. Allele origin: germline.
Comment: This sequence change replaces glycine, which is neutral and non-polar, with arginine, which is basic and polar, at codon 539 of the CEP164 protein (p.Gly539Arg). This variant is present in population databases (no rsID available, gnomAD 0.003%). This variant has not been reported in the literature in individuals affected with CEP164-related conditions. ClinVar contains an entry for this variant (Variation ID: 862467). An algorithm developed to predict the effect of missense changes on protein structure and function (PolyPhen-2) suggests that this variant is likely to be disruptive. In summary, the available evidence is currently insufficient to determine the role of this variant in disease. Therefore, it has been classified as a Variant of Uncertain Significance.

Ambry Genetics
Classification: Uncertain significance for Inborn genetic diseases. Last evaluated: 2025-08-31. Review status: criteria provided, single submitter. Criteria: Ambry Variant Classification Scheme 2023. Collection method: clinical testing. Allele origin: germline.

Fulgent Genetics
Classification: Uncertain significance for Nephronophthisis 15. Last evaluated: 2021-11-30. Review status: criteria provided, single submitter. Criteria: ACMG Guidelines, 2015. Collection method: clinical testing. Allele origin: unknown.

NM_014956.5(CEP164):c.1615G>C (p.Gly539Arg)

Gene: CEP164 (centrosomal protein 164; plus strand). Cytogenetic location: 11q23.3.
Variant type: single nucleotide variant.
Coding change: c.1615G>C on transcript NM_014956.5 (MANE Select); coding-DNA position 1615, G replaced by C.
Protein change: p.Gly539Arg; replaces glycine 539 with arginine.
Molecular consequence: missense variant.
Genome position (GRCh38, 1-based): chr11:117,382,833, G>C. VCF-style: chr11-117382833-G-C. GRCh37 (hg19) VCF-style: chr11-117253549-G-C.
Other names: c.1624G>C, p.Gly542Arg (NM_001271933.2); short protein forms G539R, G542R.
Identifiers: ClinVar variation 862467 (VCV000862467.11), dbSNP rs758286092, ClinGen allele CA382713477.